The following is an entry in ClinVar:

ClinVar aggregate classification (germline): Conflicting classifications of pathogenicity. Review status: criteria provided, conflicting classifications (1 of 4 stars). 2 submissions from 2 submitters: Uncertain significance (1); Likely benign (1). Last evaluated 2026-01-26.

Conditions:
Muscular dystrophy-dystroglycanopathy (congenital with impaired intellectual development), type B, 3. Also called: Muscular dystrophy-dystroglycanopathy (congenital with intellectual disability), type B3; MUSCULAR DYSTROPHY, CONGENITAL, POMGNT1-RELATED. Identifiers: MedGen C3150412, MONDO:0013155, OMIM 613151.
Autosomal recessive limb-girdle muscular dystrophy type 2O. Also called: Limb-Girdle Muscular Dystrophy Type 3C; MUSCULAR DYSTROPHY-DYSTROGLYCANOPATHY (LIMB-GIRDLE), TYPE C, 3; MUSCULAR DYSTROPHY-DYSTROGLYCANOPATHY, LIMB-GIRDLE, POMGNT1-RELATED. Identifiers: Orphanet 206564, MedGen C3150417, MONDO:0013161, OMIM 613157.

Allele frequency attached by ClinVar (database versions not stated): gnomAD exomes 0.00001; ExAC 0.00002.
gnomAD v4.1: 18 of 1,612,374 alleles (0.0011%); highest among the groups gnomAD compares: South Asian, 0.014%; 1 homozygote.

Submissions (2):

Labcorp Genetics (formerly Invitae), Labcorp
Classification: Likely benign for Autosomal recessive limb-girdle muscular dystrophy type 2O; Muscular dystrophy-dystroglycanopathy (congenital with impaired intellectual development), type B, 3. Last evaluated: 2026-01-26. Review status: criteria provided, single submitter. Criteria: Invitae Variant Classification Sherloc (09022015). Collection method: clinical testing. Allele origin: germline.

GeneDx
Classification: Uncertain significance. Last evaluated: 2022-08-18. Review status: criteria provided, single submitter. Criteria: GeneDx Variant Classification Process June 2021. Collection method: clinical testing. Allele origin: germline. Affected: yes.
Comment: In silico analysis supports that this variant does not alter splicing; Has not been previously published as pathogenic or benign to our knowledge

NM_017739.4(POMGNT1):c.1804C>T (p.Leu602=)

Genes: POMGNT1 (protein O-linked mannose N-acetylglucosaminyltransferase 1 (beta 1,2-); minus strand), TSPAN1 (tetraspanin 1; plus strand). Cytogenetic location: 1p34.1.
Variant type: single nucleotide variant.
Coding change: c.1804C>T on transcript NM_017739.4 (MANE Select); coding-DNA position 1804, C replaced by T.
Protein change: p.Leu602=; no amino-acid change (leucine 602 retained).
Molecular consequence: synonymous variant.
Genome position (GRCh38, 1-based): chr1:46,189,549, G>A on the plus strand (C>T on the coding strand, the complement: POMGNT1 is on the minus strand). VCF-style: chr1-46189549-G-A. GRCh37 (hg19) VCF-style: chr1-46655221-G-A.
Other names: c.1804C>T, p.Leu602= (NM_001243766.2, NM_001410783.1); c.1738C>T, p.Leu580= (NM_001290129.3); c.1375C>T, p.Leu459= (NM_001290130.2).
Identifiers: ClinVar variation 2430730 (VCV002430730.4), dbSNP rs752229468, ClinGen allele CA833222.